The following is an entry in ClinVar:

NM_021098.3(CACNA1H):c.2192C>T (p.Thr731Met)

Gene: CACNA1H (calcium voltage-gated channel subunit alpha1 H; plus strand). Cytogenetic location: 16p13.3.
Variant type: single nucleotide variant.
Coding change: c.2192C>T on transcript NM_021098.3 (MANE Select); coding-DNA position 2192, C replaced by T.
Protein change: p.Thr731Met; replaces threonine 731 with methionine.
Molecular consequence: missense variant.
Genome position (GRCh38, 1-based): chr16:1,204,199, C>T. VCF-style: chr16-1204199-C-T. GRCh37 (hg19) VCF-style: chr16-1254199-C-T.
Other names: c.2192C>T, p.Thr731Met (NM_001005407.2); short protein forms T731M.
Identifiers: ClinVar variation 649530 (VCV000649530.9), dbSNP rs779476529, ClinGen allele CA7800144.
Genomic context (GRCh38, chr16:1,204,199, plus strand): 5'-AGGGTGAGCTCAGCGGCTCGGAAAGTGGAGACTCAGATGGCCGTGGCGTCTATGAATTCA[C>T]GCAGGACGTCCGGCACGGTGACCGCTGGGACCCCACGCGACCACCCCGTGCGACGGACAC-3'
Protein context (NP_066921.2, residues 721-741): DSDGRGVYEF[Thr731Met]QDVRHGDRWD

ClinVar aggregate classification (germline): Conflicting classifications of pathogenicity. Review status: criteria provided, conflicting classifications (1 of 4 stars). 5 submissions from 5 submitters: Uncertain significance (4); Benign (1). Last evaluated 2024-06-25.

Conditions:
Epilepsy, childhood absence, susceptibility to, 6. Identifiers: Orphanet 64280, MedGen C2749872, MONDO:0012763, OMIM 611942.
Hyperaldosteronism, familial, type IV (HALD4). Also called: ALDOSTERONISM, PRIMARY, AND HYPERTENSION; FH IV. Identifiers: Orphanet 642671, MedGen C4310756, MONDO:0014875, OMIM 617027.
Inborn genetic diseases. Identifiers: MedGen C0950123, MeSH D030342.
Idiopathic generalized epilepsy. Also called: Generalised epilepsy; EIG. Identifiers: MedGen C0270850, MONDO:0005579, OMIM 600669.

Allele frequency attached by ClinVar (database versions not stated): gnomAD 0.00001 and 0.00002; ExAC 0.00002; TOPMed 0.00002.
gnomAD v4.1: 26 of 1,612,048 alleles (0.0016%); highest among the groups gnomAD compares: Middle Eastern, 0.066%; no homozygotes.

Submissions (5):

Ambry Genetics
Classification: Uncertain significance for Inborn genetic diseases. Last evaluated: 2024-06-25. Review status: criteria provided, single submitter. Criteria: Ambry Variant Classification Scheme 2023. Collection method: clinical testing. Allele origin: germline.

Labcorp Genetics (formerly Invitae), Labcorp
Classification: Benign for Idiopathic generalized epilepsy; Hyperaldosteronism, familial, type IV. Last evaluated: 2023-06-24. Review status: criteria provided, single submitter. Criteria: Invitae Variant Classification Sherloc (09022015). Collection method: clinical testing. Allele origin: germline.

Athena Diagnostics
Classification: Uncertain significance. Last evaluated: 2023-02-16. Review status: criteria provided, single submitter. Criteria: Athena Diagnostics Criteria. Collection method: clinical testing. Allele origin: unknown.
Comment: Available data are insufficient to determine the clinical significance of the variant at this time. The frequency of this variant in the general population is uninformative in assessment of its pathogenicity. Computational tools disagree on the variant's effect on normal protein function.

Fulgent Genetics
Classification: Uncertain significance for Epilepsy, childhood absence, susceptibility to, 6; Hyperaldosteronism, familial, type IV. Last evaluated: 2022-03-15. Review status: criteria provided, single submitter. Criteria: ACMG Guidelines, 2015. Collection method: clinical testing. Allele origin: unknown.

Breakthrough Genomics
Classification: Uncertain significance. Review status: criteria provided, single submitter. Criteria: ACMG Guidelines, 2015. Collection method: not provided. Allele origin: germline. Inheritance: Autosomal dominant inheritance. Affected: yes.